The following is an entry in ClinVar:

ClinVar aggregate classification (germline): Conflicting classifications of pathogenicity. Review status: criteria provided, conflicting classifications (1 of 4 stars). 6 submissions from 6 submitters: Uncertain significance (3); Likely benign (3). Last evaluated 2025-12-02.

Conditions:
Familial sleep-related hypermotor epilepsy. Also called: Autosomal Dominant Sleep-Related Hypermotor (Hyperkinetic) Epilepsy. Identifiers: Orphanet 98784, MedGen C3696898, MONDO:0000030.
Inborn genetic diseases. Identifiers: MedGen C0950123, MeSH D030342.
Autosomal dominant nocturnal frontal lobe epilepsy 1. Also called: EPILEPSY, NOCTURNAL FRONTAL LOBE, TYPE 1; CHRNA4-Related Nocturnal Frontal Lobe Epilepsy, Autosomal Dominant. Identifiers: Orphanet 98784, MedGen C1838049, MONDO:0010899, OMIM 600513.

Allele frequency attached by ClinVar (database versions not stated): gnomAD exomes 0.00004 and 0.00010; ESP Exome Variant Server 0.00008; TOPMed 0.00006; gnomAD 0.00007; ExAC 0.00003.

Submissions (6):

Institute of Human Genetics, University of Leipzig Medical Center
Classification: Likely benign for Autosomal dominant nocturnal frontal lobe epilepsy 1. Last evaluated: 2025-12-02. Review status: criteria provided, single submitter. Criteria: ACMG Guidelines, 2015. Collection method: clinical testing. Allele origin: unknown. Inheritance: Autosomal dominant inheritance. Affected: yes.

Ambry Genetics
Classification: Likely benign for Inborn genetic diseases. Last evaluated: 2025-05-14. Review status: criteria provided, single submitter. Criteria: Ambry Variant Classification Scheme 2023. Collection method: clinical testing. Allele origin: germline.

Labcorp Genetics (formerly Invitae), Labcorp
Classification: Likely benign. Last evaluated: 2025-03-17. Review status: criteria provided, single submitter. Criteria: Invitae Variant Classification Sherloc (09022015). Collection method: clinical testing. Allele origin: germline.

Women's Health and Genetics/Laboratory Corporation of America, LabCorp
Classification: Uncertain significance. Last evaluated: 2024-12-10. Review status: criteria provided, single submitter. Criteria: LabCorp Variant Classification Summary - May 2015. Collection method: clinical testing. Allele origin: germline.
Comment: Variant summary: CHRNA4 c.1106G>A (p.Arg369Gln) results in a conservative amino acid change located in the Neurotransmitter-gated ion-channel transmembrane domain (IPR006029) of the encoded protein sequence. Four of five in-silico tools predict a benign effect of the variant on protein function. The variant allele was found at a frequency of 4e-05 in 249100 control chromosomes. This frequency is not significantly higher than estimated for a pathogenic variant in CHRNA4 causing Epilepsy, Nocturnal Frontal Lobe, Type 1, allowing no conclusion about variant significance. c.1106G>A has been reported in the literature in at least one individual affected with amyotrophic lateral sclerosis (e.g. Lattante_2020) . This report does not provide unequivocal conclusions about association of the variant with Epilepsy, Nocturnal Frontal Lobe, Type 1. To our knowledge, no experimental evidence demonstrating an impact on protein function has been reported. ClinVar contains an entry for this variant (Variation ID: 419347). Based on the evidence outlined above, the variant was classified as uncertain significance.

Baylor Genetics
Classification: Uncertain significance for Autosomal dominant nocturnal frontal lobe epilepsy 1. Last evaluated: 2018-04-24. Review status: criteria provided, single submitter. Criteria: ACMG Guidelines, 2015. Collection method: clinical testing. Allele origin: unknown. Affected: yes.
Comment: This variant was determined to be of uncertain significance according to ACMG Guidelines, 2015 [PMID:25741868].

GeneDx
Classification: Uncertain significance. Last evaluated: 2017-05-12. Review status: criteria provided, single submitter. Criteria: GeneDx Variant Classification (06012015). Collection method: clinical testing. Allele origin: germline. Affected: yes.
Comment: A variant of uncertain significance has been identified in the CHRNA4 gene. The R369Q variant has not been reported previously as a pathogenic variant, nor as a benign variant, to our knowledge. The R369Q variant was not observed at any significant frequency in approximately 6,500 individuals of European and African American ancestry in the NHLBI Exome Sequencing Project, indicating it is not a common benign variant in these populations. The R369Q variant is a semi-conservative amino acid substitution, which may impact secondary protein structure as these residues differ in some properties. This substitution alters a poorly conserved position and is not predicted to occur within the transmembrane region of the protein, where the vast majority of pathogenic missense variants have been identified in association with epilepsy (Steinlein et al., 2010). In silico analysis is inconsistent in its predictions as to whether or not the variant is damaging to the protein structure/function. Therefore, based on the currently available information, it is unclear whether this variant is a pathogenic variant or a rare benign variant.

Literature cited by the submitters: PubMed 32987860 (cited by Women's Health and Genetics/Laboratory Corporation of America, LabCorp).

NM_000744.7(CHRNA4):c.1106G>A (p.Arg369Gln)

Gene: CHRNA4 (cholinergic receptor nicotinic alpha 4 subunit; minus strand). Cytogenetic location: 20q13.33.
Variant type: single nucleotide variant.
Coding change: c.1106G>A on transcript NM_000744.7 (MANE Select); coding-DNA position 1106, G replaced by A.
Protein change: p.Arg369Gln; replaces arginine 369 with glutamine.
Molecular consequence: missense variant. On other transcripts: non-coding transcript variant (1).
Genome position (GRCh38, 1-based): chr20:63,350,305, C>T on the plus strand (G>A on the coding strand, the complement: CHRNA4 is on the minus strand). VCF-style: chr20-63350305-C-T. GRCh37 (hg19) VCF-style: chr20-61981657-C-T.
Other names: c.578G>A, p.Arg193Gln (NM_001256573.2); short protein forms R369Q, R193Q.
Identifiers: ClinVar variation 419347 (VCV000419347.15), dbSNP rs200007766, ClinGen allele CA9957655.
Genomic context (GRCh38, chr20:63,350,305, plus strand): 5'-TCTGGCTCGGGCCAGAAGCGCGGGGCACTGGCCATCTTATGCATGGACTCGATGAGCCGC[C>T]GGCAATTGTCCTTGACCACGGACGGCCGCTTCATGAGGAGCAGGCGTGGCACGATGTCCA-3'
Protein context (NP_000735.1, residues 359-379): KRPSVVKDNC[Arg369Gln]RLIESMHKMA